The following is an entry in ClinVar:

ClinVar aggregate classification (germline): Likely benign. Review status: criteria provided, multiple submitters, no conflicts (2 of 4 stars). 4 submissions from 4 submitters: Likely benign (2). 2 of the submissions do not count toward it. Last evaluated 2024-10-25.

Conditions:
alpha Thalassemia. Also called: Alpha thalassemia spectrum. Identifiers: Orphanet 846, MedGen C0002312, MONDO:0011399, OMIM 604131.
HBA1-related disorder. Also called: HBA1-related condition.

Allele frequency attached by ClinVar (database versions not stated): gnomAD exomes 0.00008; ExAC 0.00009; gnomAD 0.00013 and 0.00014.

Submissions (4):

Blueprint Genetics
Classification: Likely benign. Last evaluated: 2024-10-25. Review status: criteria provided, single submitter. Criteria: ACMG Guidelines, 2015. Collection method: clinical testing. Allele origin: germline.

ARUP Laboratories, Molecular Genetics and Genomics, ARUP Laboratories
Classification: Likely benign. Last evaluated: 2024-08-21. Review status: criteria provided, single submitter. Criteria: ARUP Molecular Germline Variant Investigation Process 2024. Collection method: clinical testing. Allele origin: germline.

Natera, Inc.
Classification: Uncertain significance for Alpha thalassemia. Last evaluated: 2019-06-27. Review status: no assertion criteria provided. Collection method: clinical testing. Allele origin: germline. Not counted in ClinVar's aggregate classification.

PreventionGenetics, part of Exact Sciences
Classification: Likely benign for HBA1-related condition. Last evaluated: 2019-04-12. Review status: no assertion criteria provided. Collection method: clinical testing. Allele origin: germline. Not counted in ClinVar's aggregate classification.
Comment: This variant is classified as likely benign based on ACMG/AMP sequence variant interpretation guidelines (Richards et al. 2015 PMID: 25741868, with internal and published modifications).

NM_000558.5(HBA1):c.198G>A (p.Ala66=)

Genes: HBA1 (hemoglobin subunit alpha 1; plus strand), LOC106804613 (hemoglobin subunit alpha 1 recombination region; plus strand). Cytogenetic location: 16p13.3.
Variant type: single nucleotide variant.
Coding change: c.198G>A on transcript NM_000558.5 (MANE Select); coding-DNA position 198, G replaced by A.
Protein change: p.Ala66=; no amino-acid change (alanine 66 retained).
Molecular consequence: synonymous variant.
Genome position (GRCh38, 1-based): chr16:177,031, G>A. VCF-style: chr16-177031-G-A. GRCh37 (hg19) VCF-style: chr16-227030-G-A.
Other names: c.198G>A (NM_000558.4).
Identifiers: ClinVar variation 811124 (VCV000811124.13), dbSNP rs772025927, ClinGen allele CA7770245.